The following is an entry in ClinVar:

NM_006269.2(RP1):c.216del (p.Lys73fs)

Gene: RP1 (RP1 axonemal microtubule associated; plus strand). Cytogenetic location: 8q12.1.
Variant type: Deletion.
Coding change: c.216del on transcript NM_006269.2 (MANE Select); coding-DNA position 216, one base deleted (G; older notation c.216delG).
Protein change: p.Lys73fs; shifts the reading frame from lysine 73.
Molecular consequence: frameshift variant.
Genome position (GRCh38, 1-based): chr8:54,621,182, G deleted; the last of 2 consecutive G bases (chr8:54,621,181-54,621,182); deleting either gives the same sequence. VCF-style (leftmost placement, unchanged base first): chr8-54621180-AG-A. GRCh37 (hg19) VCF-style: chr8-55533740-AG-A.
Other names: c.216del, p.Lys73fs (NM_001375654.1); short protein forms K73fs.
Identifiers: ClinVar variation 2823322 (VCV002823322.3), dbSNP rs2536555955, ClinGen allele CA2687300540.

ClinVar aggregate classification (germline): Pathogenic (1 of 4 stars; one submission).

Submission:

Labcorp Genetics (formerly Invitae), Labcorp
Classification: Pathogenic. Last evaluated: 2022-12-22. Review status: criteria provided, single submitter. Criteria: Invitae Variant Classification Sherloc (09022015). Collection method: clinical testing. Allele origin: germline.
Comment: This sequence change creates a premature translational stop signal (p.Lys73Argfs*8) in the RP1 gene. It is expected to result in an absent or disrupted protein product. Loss-of-function variants in RP1 are known to be pathogenic (PMID: 11960024, 19933189). This variant is not present in population databases (gnomAD no frequency). This variant has not been reported in the literature in individuals affected with RP1-related conditions. For these reasons, this variant has been classified as Pathogenic.

Literature cited by the submitters: PubMed 11960024; PubMed 19933189.